The following is an entry in ClinVar:

ClinVar aggregate classification (germline): Likely pathogenic (1 of 4 stars; one submission).

Conditions:
Klippel-Feil anomaly-myopathy-facial dysmorphism syndrome. Also called: Klippel-feil syndrome 4, autosomal recessive, with nemaline myopathy and facial dysmorphism; Klippel-Feil syndrome 4, autosomal recessive, with myopathy and facial dysmorphism. Identifiers: Orphanet 447974, MedGen C4225285, MONDO:0014689, OMIM 616549.

Submission:

Juno Genomics, Hangzhou Juno Genomics, Inc
Classification: Likely pathogenic for Klippel-Feil anomaly-myopathy-facial dysmorphism syndrome. Review status: criteria provided, single submitter. Criteria: ACMG Guidelines, 2015. Collection method: clinical testing. Allele origin: germline.
Comment: Null variant in a gene where loss of function (LOF) is a known mechanism of disease.;Absent from controls (or at extremely low frequency if recessive) in Genome Aggregation Database.

NM_032608.7(MYO18B):c.3061-2A>G

Gene: MYO18B (myosin XVIIIB; plus strand). Cytogenetic location: 22q12.1.
Variant type: single nucleotide variant.
Coding change: c.3061-2A>G on transcript NM_032608.7 (MANE Select); the canonical splice acceptor site of the intron before coding-DNA position 3061, A replaced by G.
Molecular consequence: splice acceptor variant. On other transcripts: missense variant (1).
Genome position (GRCh38, 1-based): chr22:25,835,294, A>G. VCF-style: chr22-25835294-A-G. GRCh37 (hg19) VCF-style: chr22-26231261-A-G.
Other names: c.3062A>G, p.Gln1021Arg (NM_001318245.2); short protein forms Q1021R.
Identifiers: ClinVar variation 5006472 (VCV005006472.2).